The following is an entry in ClinVar:

ClinVar aggregate classification (germline): Benign/Likely benign. Review status: criteria provided, multiple submitters, no conflicts (2 of 4 stars). 7 submissions from 7 submitters: Benign (3); Likely benign (3). 1 of the submissions does not count toward it. Last evaluated 2026-01-28.

Conditions:
Primary ciliary dyskinesia. Also called: Ciliary dyskinesia. Identifiers: Orphanet 244, MedGen C0008780, MONDO:0016575, HP:0012265.
Primary ciliary dyskinesia 3. Identifiers: Orphanet 244, MedGen C1837618, MONDO:0012085, OMIM 608644.

Allele frequency attached by ClinVar (database versions not stated): gnomAD exomes 0.00058 and 0.00160; ExAC 0.00194; ESP Exome Variant Server 0.00607; gnomAD 0.00649 and 0.00702; TOPMed 0.00700; 1000 Genomes Project 0.00719; 1000 Genomes Project 30x 0.00781.
gnomAD v4.1: 1,862 of 1,613,950 alleles (0.12%); highest among the groups gnomAD compares: African/African-American, 2.2%; 20 homozygotes.

Submissions (8):

Labcorp Genetics (formerly Invitae), Labcorp
Classification: Benign for Primary ciliary dyskinesia. Last evaluated: 2026-01-28. Review status: criteria provided, single submitter. Criteria: Invitae Variant Classification Sherloc (09022015). Collection method: clinical testing. Allele origin: germline.

Blueprint Genetics
Classification: Likely benign. Last evaluated: 2024-10-15. Review status: criteria provided, single submitter. Criteria: ACMG Guidelines, 2015. Collection method: clinical testing. Allele origin: germline.

Ambry Genetics
Classification: Benign for Primary ciliary dyskinesia. Last evaluated: 2018-04-13. Review status: criteria provided, single submitter. Criteria: Ambry Variant Classification Scheme 2023. Collection method: clinical testing. Allele origin: germline.

Illumina Laboratory Services, Illumina
Classification: Likely benign for Primary ciliary dyskinesia 3. Last evaluated: 2018-01-13. Review status: criteria provided, single submitter. Criteria: ICSL Variant Classification Criteria 13 December 2019. Collection method: clinical testing. Allele origin: germline.
Comment: This variant was observed in the ICSL laboratory as part of a predisposition screen in an ostensibly healthy population. It had not been previously curated by ICSL or reported in the Human Gene Mutation Database (HGMD: prior to June 1st, 2018), and was therefore a candidate for classification through an automated scoring system. Utilizing variant allele frequency, disease prevalence and penetrance estimates, and inheritance mode, an automated score was calculated to assess if this variant is too frequent to cause the disease. Based on the score and internal cut-off values, a variant classified as likely benign is not then subjected to further curation. The score for this variant resulted in a classification of likely benign for this disease.

Breakthrough Genomics
Classification: Likely benign. Review status: criteria provided, single submitter. Criteria: ACMG Guidelines, 2015. Collection method: not provided. Allele origin: germline. Inheritance: Autosomal recessive inheritance. Affected: yes.

PreventionGenetics, part of Exact Sciences
Classification: Benign. Review status: criteria provided, single submitter. Criteria: ACMG Guidelines, 2015. Collection method: clinical testing. Allele origin: germline.

Natera, Inc.
Classification: Benign for Primary ciliary dyskinesia. Last evaluated: 2020-09-16. Review status: no assertion criteria provided. Collection method: clinical testing. Allele origin: germline. Not counted in ClinVar's aggregate classification.

Dr. Peter K. Rogan Lab, Western University
No classification provided (evidence only). Condition: Uterine corpus endometrial carcinoma. Review status: no classification provided. Collection method: in vitro. Allele origin: not applicable. Functional consequence: retained intron. Not counted in ClinVar's aggregate classification.

NM_001369.3(DNAH5):c.13467G>A (p.Gln4489=)

Gene: DNAH5 (dynein axonemal heavy chain 5; minus strand). Cytogenetic location: 5p15.2.
Variant type: single nucleotide variant.
Coding change: c.13467G>A on transcript NM_001369.3 (MANE Select); coding-DNA position 13467, G replaced by A.
Protein change: p.Gln4489=; no amino-acid change (glutamine 4489 retained).
Molecular consequence: synonymous variant.
Genome position (GRCh38, 1-based): chr5:13,701,308, C>T on the plus strand (G>A on the coding strand, the complement: DNAH5 is on the minus strand). VCF-style: chr5-13701308-C-T. GRCh37 (hg19) VCF-style: chr5-13701417-C-T.
Identifiers: ClinVar variation 238963 (VCV000238963.23), dbSNP rs140498500, ClinGen allele CA3201356.